The following is an entry in ClinVar:

NM_000116.5(TAFAZZIN):c.430A>G (p.Met144Val)

Gene: TAFAZZIN (tafazzin, phospholipid-lysophospholipid transacylase; plus strand). Cytogenetic location: Xq28.
Variant type: single nucleotide variant.
Coding change: c.430A>G on transcript NM_000116.5 (MANE Select); coding-DNA position 430, A replaced by G.
Protein change: p.Met144Val; replaces methionine 144 with valine.
Molecular consequence: missense variant. On other transcripts: intron variant (2).
Genome position (GRCh38, 1-based): chrX:154,414,160, A>G. VCF-style: chrX-154414160-A-G. GRCh37 (hg19) VCF-style: chrX-153642497-A-G.
Other names: c.484A>G, p.Met162Val (NM_001303465.2); c.430A>G, p.Met144Val (NM_181312.4); c.370+593A>G (NM_181311.4, NM_181313.4); short protein forms M162V, M144V.
Identifiers: ClinVar variation 835418 (VCV000835418.4), dbSNP rs2068413364, ClinGen allele CA415182596.

ClinVar aggregate classification (germline): Uncertain significance (1 of 4 stars; one submission).

Conditions:
3-Methylglutaconic aciduria type 2 (BTHS). Also called: Barth syndrome; CARDIOSKELETAL MYOPATHY WITH NEUTROPENIA AND ABNORMAL MITOCHONDRIA. Identifiers: Orphanet 111, MedGen C0574083, MONDO:0010543, OMIM 302060.

Allele frequency attached by ClinVar (database versions not stated): gnomAD 0.00001; gnomAD exomes 0.00001; TOPMed 0.00001.

Submission:

Labcorp Genetics (formerly Invitae), Labcorp
Classification: Uncertain significance for 3-Methylglutaconic aciduria type 2. Last evaluated: 2022-05-12. Review status: criteria provided, single submitter. Criteria: Invitae Variant Classification Sherloc (09022015). Collection method: clinical testing. Allele origin: germline.
Comment: This sequence change replaces methionine, which is neutral and non-polar, with valine, which is neutral and non-polar, at codon 144 of the TAZ protein (p.Met144Val). This variant is not present in population databases (gnomAD no frequency). This variant has not been reported in the literature in individuals affected with TAZ-related conditions. ClinVar contains an entry for this variant (Variation ID: 835418). Algorithms developed to predict the effect of missense changes on protein structure and function output the following: SIFT: "Not Available"; PolyPhen-2: "Benign"; Align-GVGD: "Not Available". The valine amino acid residue is found in multiple mammalian species, which suggests that this missense change does not adversely affect protein function. In summary, the available evidence is currently insufficient to determine the role of this variant in disease. Therefore, it has been classified as a Variant of Uncertain Significance.